The following is an entry in ClinVar:

ClinVar aggregate classification (germline): Pathogenic (1 of 4 stars; one submission).

Submission:

Labcorp Genetics (formerly Invitae), Labcorp
Classification: Pathogenic. Last evaluated: 2023-02-14. Review status: criteria provided, single submitter. Criteria: Invitae Variant Classification Sherloc (09022015). Collection method: clinical testing. Allele origin: germline.
Comment: For these reasons, this variant has been classified as Pathogenic. This variant has not been reported in the literature in individuals affected with MTTP-related conditions. This variant is not present in population databases (gnomAD no frequency). This sequence change creates a premature translational stop signal (p.Lys598Argfs*24) in the MTTP gene. It is expected to result in an absent or disrupted protein product. Loss-of-function variants in MTTP are known to be pathogenic (PMID: 8533758, 9671739).

Literature cited by the submitters: PubMed 8533758; PubMed 9671739.

NM_001386140.1(MTTP):c.1793del (p.Lys598fs)

Gene: MTTP (microsomal triglyceride transfer protein; plus strand). Cytogenetic location: 4q23.
Variant type: Deletion.
Coding change: c.1793del on transcript NM_001386140.1 (MANE Select); coding-DNA position 1793, one base deleted (A; older notation c.1793delA).
Protein change: p.Lys598fs; shifts the reading frame from lysine 598.
Molecular consequence: frameshift variant.
Genome position (GRCh38, 1-based): chr4:99,611,166, A deleted; the last of 2 consecutive A bases (chr4:99,611,165-99,611,166); deleting either gives the same sequence. VCF-style (leftmost placement, unchanged base first): chr4-99611164-GA-G. GRCh37 (hg19) VCF-style: chr4-100532321-GA-G.
Other names: c.1793del, p.Lys598fs (NM_000253.4); c.1544del, p.Lys515fs (NM_001300785.2); short protein forms K515fs, K598fs.
Identifiers: ClinVar variation 2837120 (VCV002837120.3), dbSNP rs2476145104, ClinGen allele CA2739270171.